The following is an entry in ClinVar:

ClinVar aggregate classification (germline): Uncertain significance (1 of 4 stars; one submission).

Conditions:
Kabuki syndrome. Also called: NIIKAWA-KUROKI SYNDROME; Kabuki make-up syndrome. Identifiers: Orphanet 2322, MedGen C0796004, MONDO:0016512.

gnomAD v4.1: 2 of 1,613,260 alleles (0.00012%); highest among the groups gnomAD compares: South Asian, 0.0022%; no homozygotes.

Submission:

Labcorp Genetics (formerly Invitae), Labcorp
Classification: Uncertain significance for Kabuki syndrome. Last evaluated: 2025-07-24. Review status: criteria provided, single submitter. Criteria: Invitae Variant Classification Sherloc (09022015). Collection method: clinical testing. Allele origin: germline.
Comment: This sequence change replaces glycine, which is neutral and non-polar, with tryptophan, which is neutral and slightly polar, at codon 100 of the KMT2D protein (p.Gly100Trp). The frequency data for this variant in the population databases is considered unreliable, as metrics indicate poor data quality at this position in the gnomAD database. This variant has not been reported in the literature in individuals affected with KMT2D-related conditions. Invitae Evidence Modeling of protein sequence and biophysical properties (such as structural, functional, and spatial information, amino acid conservation, physicochemical variation, residue mobility, and thermodynamic stability) indicates that this missense variant is not expected to disrupt KMT2D protein function with a negative predictive value of 95%. In summary, the available evidence is currently insufficient to determine the role of this variant in disease. Therefore, it has been classified as a Variant of Uncertain Significance.

NM_003482.4(KMT2D):c.298G>T (p.Gly100Trp)

Gene: KMT2D (lysine methyltransferase 2D; minus strand). Cytogenetic location: 12q13.12.
Variant type: single nucleotide variant.
Coding change: c.298G>T on transcript NM_003482.4 (MANE Select); coding-DNA position 298, G replaced by T.
Protein change: p.Gly100Trp; replaces glycine 100 with tryptophan.
Molecular consequence: missense variant.
Genome position (GRCh38, 1-based): chr12:49,054,630, C>A on the plus strand (G>T on the coding strand, the complement: KMT2D is on the minus strand). VCF-style: chr12-49054630-C-A. GRCh37 (hg19) VCF-style: chr12-49448413-C-A.
Other names: short protein forms G100W.
Identifiers: ClinVar variation 4691935 (VCV004691935.1).